The following is an entry in ClinVar:

NM_001291303.3(FAT4):c.7815C>T (p.Ile2605=)

Gene: FAT4 (FAT atypical cadherin 4; plus strand). Cytogenetic location: 4q28.1.
Variant type: single nucleotide variant.
Coding change: c.7815C>T on transcript NM_001291303.3 (MANE Select); coding-DNA position 7815, C replaced by T.
Protein change: p.Ile2605=; no amino-acid change (isoleucine 2605 retained).
Molecular consequence: synonymous variant.
Genome position (GRCh38, 1-based): chr4:125,448,825, C>T. VCF-style: chr4-125448825-C-T. GRCh37 (hg19) VCF-style: chr4-126369980-C-T.
Other names: c.7815C>T, p.Ile2605= (NM_001291285.3); c.7809C>T, p.Ile2603= (NM_024582.6); c.7809C>T (NM_024582.4).
Identifiers: ClinVar variation 1605758 (VCV001605758.34), dbSNP rs201257189, ClinGen allele CA3073262.

ClinVar aggregate classification (germline): Likely benign. Review status: criteria provided, multiple submitters, no conflicts (2 of 4 stars). 4 submissions from 4 submitters: Likely benign (3). 1 of the submissions does not count toward it. Last evaluated 2025-12-08.

Conditions:
FAT4-related disorder. Also called: FAT4-related condition.

Allele frequency attached by ClinVar (database versions not stated): ESP Exome Variant Server 0.00008; 1000 Genomes Project 0.00020; 1000 Genomes Project 30x 0.00031.

Submissions (4):

Labcorp Genetics (formerly Invitae), Labcorp
Classification: Likely benign. Last evaluated: 2025-12-08. Review status: criteria provided, single submitter. Criteria: Invitae Variant Classification Sherloc (09022015). Collection method: clinical testing. Allele origin: germline.

Blueprint Genetics
Classification: Likely benign. Last evaluated: 2024-10-18. Review status: criteria provided, single submitter. Criteria: ACMG Guidelines, 2015. Collection method: clinical testing. Allele origin: germline.

CeGaT Center for Human Genetics Tuebingen
Classification: Likely benign. Last evaluated: 2024-08-01. Review status: criteria provided, single submitter. Criteria: CeGaT Center For Human Genetics Tuebingen Variant Classification Criteria Version 2. Collection method: clinical testing. Allele origin: germline. Affected: yes. Observed: 2 variant alleles.
Comment: FAT4: BP4, BP7

PreventionGenetics, part of Exact Sciences
Classification: Likely benign for FAT4-related condition. Last evaluated: 2020-10-27. Review status: no assertion criteria provided. Collection method: clinical testing. Allele origin: germline. Not counted in ClinVar's aggregate classification.
Comment: This variant is classified as likely benign based on ACMG/AMP sequence variant interpretation guidelines (Richards et al. 2015 PMID: 25741868, with internal and published modifications).